The following is an entry in ClinVar:

ClinVar aggregate classification (germline): Uncertain significance (1 of 4 stars; one submission).

Conditions:
Generalized epilepsy with febrile seizures plus, type 7 (GEFSP7). Also called: GEFS+, TYPE 7. Identifiers: Orphanet 36387, MedGen C2751778, MONDO:0013470, OMIM 613863.
Neuropathy, hereditary sensory and autonomic, type 2A (HSAN2A). Also called: HSAN IIA; MORVAN DISEASE; NEUROPATHY, CONGENITAL SENSORY; NEUROPATHY, HEREDITARY SENSORY RADICULAR, AUTOSOMAL RECESSIVE; NEUROPATHY, HEREDITARY SENSORY, TYPE IIA; NEUROPATHY, PROGRESSIVE SENSORY, OF CHILDREN. Identifiers: Orphanet 970, MedGen C2752089, MONDO:0024309, OMIM 201300.

Submission:

Labcorp Genetics (formerly Invitae), Labcorp
Classification: Uncertain significance for Neuropathy, hereditary sensory and autonomic, type 2A; Generalized epilepsy with febrile seizures plus, type 7. Last evaluated: 2021-05-13. Review status: criteria provided, single submitter. Criteria: Invitae Variant Classification Sherloc (09022015). Collection method: clinical testing. Allele origin: germline.
Comment: Algorithms developed to predict the effect of missense changes on protein structure and function do not agree on the potential impact of this missense change (SIFT: "Deleterious"; PolyPhen-2: "Probably Damaging"; Align-GVGD: "Class C0"). In summary, the available evidence is currently insufficient to determine the role of this variant in disease. Therefore, it has been classified as a Variant of Uncertain Significance. This variant has not been reported in the literature in individuals with SCN9A-related disease. This variant is not present in population databases (ExAC no frequency). This sequence change replaces leucine with phenylalanine at codon 314 of the SCN9A protein (p.Leu314Phe). The leucine residue is highly conserved and there is a small physicochemical difference between leucine and phenylalanine.

NM_001365536.1(SCN9A):c.940C>T (p.Leu314Phe)

Genes: SCN1A-AS1 (SCN1A and SCN9A antisense RNA 1; plus strand), SCN9A (sodium voltage-gated channel alpha subunit 9; minus strand). Cytogenetic location: 2q24.3.
Variant type: single nucleotide variant.
Coding change: c.940C>T on transcript NM_001365536.1 (MANE Select); coding-DNA position 940, C replaced by T.
Protein change: p.Leu314Phe; replaces leucine 314 with phenylalanine.
Molecular consequence: missense variant. On other transcripts: non-coding transcript variant (1).
Genome position (GRCh38, 1-based): chr2:166,294,624, G>A on the plus strand (C>T on the coding strand, the complement: SCN9A is on the minus strand). VCF-style: chr2-166294624-G-A. GRCh37 (hg19) VCF-style: chr2-167151134-G-A.
Other names: c.940C>T, p.Leu314Phe (NM_002977.4); short protein forms L314F.
Identifiers: ClinVar variation 583319 (VCV000583319.9), dbSNP rs776886490, ClinGen allele CA59807204.